The following is an entry in ClinVar:

ClinVar aggregate classification (germline): Uncertain significance (1 of 4 stars; one submission).

Conditions:
Cardiovascular phenotype. Identifiers: MedGen CN230736.

Allele frequency attached by ClinVar (database versions not stated): gnomAD exomes below 0.00001.
gnomAD v4.1: 1 of 1,612,522 alleles (0.000062%); highest among the groups gnomAD compares: African/African-American, 0.0013%; no homozygotes.

Submission:

Ambry Genetics
Classification: Uncertain significance for Cardiovascular phenotype. Last evaluated: 2021-07-12. Review status: criteria provided, single submitter. Criteria: Ambry Variant Classification Scheme 2023. Collection method: clinical testing. Allele origin: germline.
Comment: The p.D9V variant (also known as c.26A>T), located in coding exon 1 of the TBX1 gene, results from an A to T substitution at nucleotide position 26. The aspartic acid at codon 9 is replaced by valine, an amino acid with highly dissimilar properties. This amino acid position is conserved. In addition, the in silico prediction for this alteration is inconclusive. Since supporting evidence is limited at this time, the clinical significance of this alteration remains unclear.

NM_080647.1(TBX1):c.26A>T (p.Asp9Val)

Gene: TBX1 (T-box transcription factor 1; plus strand). Cytogenetic location: 22q11.21.
Variant type: single nucleotide variant.
Coding change: c.26A>T on transcript NM_080647.1; coding-DNA position 26, A replaced by T.
Protein change: p.Asp9Val; replaces aspartic acid 9 with valine.
Molecular consequence: missense variant.
Genome position (GRCh38, 1-based): chr22:19,759,669, A>T. VCF-style: chr22-19759669-A-T. GRCh37 (hg19) VCF-style: chr22-19747192-A-T.
Other names: c.26A>T, p.Asp9Val (NM_005992.1, NM_080646.2); short protein forms D9V.
Identifiers: ClinVar variation 1794892 (VCV001794892.2), dbSNP rs2517837859, ClinGen allele CA410680825.